The following is an entry in ClinVar:

ClinVar aggregate classification (germline): Uncertain significance (1 of 4 stars; one submission).

Conditions:
Cardiovascular phenotype. Identifiers: MedGen CN230736.

Allele frequency attached by ClinVar (database versions not stated): gnomAD exomes 0.00001; TOPMed 0.00001.

Submission:

Ambry Genetics
Classification: Uncertain significance for Cardiovascular phenotype. Last evaluated: 2023-05-05. Review status: criteria provided, single submitter. Criteria: Ambry Variant Classification Scheme 2023. Collection method: clinical testing. Allele origin: germline.
Comment: The p.T1181A variant (also known as c.3541A>G), located in coding exon 20 of the SCN10A gene, results from an A to G substitution at nucleotide position 3541. The threonine at codon 1181 is replaced by alanine, an amino acid with similar properties. This amino acid position is conserved. In addition, this alteration is predicted to be tolerated by in silico analysis. Since supporting evidence is limited at this time, the clinical significance of this alteration remains unclear.

NM_006514.4(SCN10A):c.3541A>G (p.Thr1181Ala)

Gene: SCN10A (sodium voltage-gated channel alpha subunit 10; minus strand). Cytogenetic location: 3p22.2.
Variant type: single nucleotide variant.
Coding change: c.3541A>G on transcript NM_006514.4 (MANE Select); coding-DNA position 3541, A replaced by G.
Protein change: p.Thr1181Ala; replaces threonine 1181 with alanine.
Molecular consequence: missense variant.
Genome position (GRCh38, 1-based): chr3:38,718,793, T>C on the plus strand (A>G on the coding strand, the complement: SCN10A is on the minus strand). VCF-style: chr3-38718793-T-C. GRCh37 (hg19) VCF-style: chr3-38760284-T-C.
Other names: c.3538A>G, p.Thr1180Ala (NM_001293306.2); c.3247A>G, p.Thr1083Ala (NM_001293307.2); short protein forms T1180A, T1083A, T1181A.
Identifiers: ClinVar variation 2563718 (VCV002563718.2), dbSNP rs1301912357, ClinGen allele CA352153402.